The following is an entry in ClinVar:

ClinVar aggregate classification (germline): Uncertain significance (1 of 4 stars; one submission).

Allele frequency attached by ClinVar (database versions not stated): gnomAD exomes below 0.00001; gnomAD 0.00003; TOPMed 0.00003.
gnomAD v4.1: 8 of 1,200,351 alleles (0.00067%); highest among the groups gnomAD compares: African/African-American, 0.007%; no homozygotes.

Submission:

Labcorp Genetics (formerly Invitae), Labcorp
Classification: Uncertain significance. Last evaluated: 2023-09-06. Review status: criteria provided, single submitter. Criteria: Invitae Variant Classification Sherloc (09022015). Collection method: clinical testing. Allele origin: germline.
Comment: In summary, the available evidence is currently insufficient to determine the role of this variant in disease. Therefore, it has been classified as a Variant of Uncertain Significance. Advanced modeling of protein sequence and biophysical properties (such as structural, functional, and spatial information, amino acid conservation, physicochemical variation, residue mobility, and thermodynamic stability) performed at Invitae indicates that this missense variant is not expected to disrupt POLA1 protein function. This variant has not been reported in the literature in individuals affected with POLA1-related conditions. The frequency data for this variant in the population databases is considered unreliable, as metrics indicate poor data quality at this position in the gnomAD database. This sequence change replaces alanine, which is neutral and non-polar, with threonine, which is neutral and polar, at codon 127 of the POLA1 protein (p.Ala127Thr).

NM_001330360.2(POLA1):c.397G>A (p.Ala133Thr)

Gene: POLA1 (DNA polymerase alpha 1, catalytic subunit; plus strand). Cytogenetic location: Xp22.11.
Variant type: single nucleotide variant.
Coding change: c.397G>A on transcript NM_001330360.2 (MANE Select); coding-DNA position 397, G replaced by A.
Protein change: p.Ala133Thr; replaces alanine 133 with threonine.
Molecular consequence: missense variant. On other transcripts: non-coding transcript variant (2).
Genome position (GRCh38, 1-based): chrX:24,714,604, G>A. VCF-style: chrX-24714604-G-A. GRCh37 (hg19) VCF-style: chrX-24732721-G-A.
Other names: c.397G>A, p.Ala133Thr (NM_001378303.1); c.379G>A, p.Ala127Thr (NM_016937.4); short protein forms A127T, A133T.
Identifiers: ClinVar variation 2896671 (VCV002896671.3), dbSNP rs1313362497, ClinGen allele CA412526795.